The following is an entry in ClinVar:

NM_020533.3(MCOLN1):c.966_967del (p.Gly323fs)

Gene: MCOLN1 (mucolipin TRP cation channel 1; plus strand). Cytogenetic location: 19p13.2.
Variant type: Deletion.
Coding change: c.966_967del on transcript NM_020533.3 (MANE Select); coding-DNA positions 966 to 967, 2 bases deleted (AG; older notation c.966_967delAG).
Protein change: p.Gly323fs; shifts the reading frame from glycine 323.
Molecular consequence: frameshift variant.
Genome position (GRCh38, 1-based): chr19:7,528,685-7,528,686, AG deleted; deleting any 2 consecutive bases within chr19:7,528,684-7,528,686 gives the same sequence; the c. name uses the placement nearest the transcript's 3' end. VCF-style (leftmost placement, unchanged base first): chr19-7528683-CGA-C. GRCh37 (hg19) VCF-style: chr19-7593569-CGA-C.
Other names: short protein forms G323fs.
Identifiers: ClinVar variation 5011707 (VCV005011707.1).

ClinVar aggregate classification (germline): Pathogenic (1 of 4 stars; one submission).

Conditions:
Mucolipidosis type IV (ML4). Also called: ML IV. Identifiers: Orphanet 578, MedGen C0238286, MONDO:0009653, OMIM 252650.

Submission:

Myriad Genetics, Inc.
Classification: Pathogenic for Mucolipidosis type IV. Last evaluated: 2023-09-21. Review status: criteria provided, single submitter. Criteria: Myriad Autosomal Dominant, Autosomal Recessive and X-Linked Classification Criteria (2023). Collection method: clinical testing. Allele origin: unknown.
Comment: NM_020533.2(MCOLN1):c.966_967delAG(G323Lfs*139) is expected to be pathogenic in the context of mucolipidosis IV. This variant is predicted to lead to an abnormal or absent protein product due to the creation of a premature termination codon in MCOLN1, a gene where loss-of-function variants are known to be pathogenic. Please note: this variant was assessed in the context of healthy population screening.